The following is an entry in ClinVar:

ClinVar aggregate classification (germline): Uncertain significance (1 of 4 stars; one submission).

Conditions:
Hereditary nonpolyposis colorectal neoplasms. Identifiers: MedGen C0009405, MeSH D003123.

Submission:

Labcorp Genetics (formerly Invitae), Labcorp
Classification: Uncertain significance for Hereditary nonpolyposis colorectal neoplasms. Last evaluated: 2024-10-01. Review status: criteria provided, single submitter. Criteria: Invitae Variant Classification Sherloc (09022015). Collection method: clinical testing. Allele origin: germline.
Comment: This sequence change replaces tryptophan, which is neutral and slightly polar, with arginine, which is basic and polar, at codon 372 of the MSH6 protein (p.Trp372Arg). This variant is not present in population databases (gnomAD no frequency). This variant has not been reported in the literature in individuals affected with MSH6-related conditions. Invitae Evidence Modeling of protein sequence and biophysical properties (such as structural, functional, and spatial information, amino acid conservation, physicochemical variation, residue mobility, and thermodynamic stability) indicates that this missense variant is expected to disrupt MSH6 protein function with a positive predictive value of 80%. Experimental studies have shown that this missense change affects MSH6 function (PMID: 31965077). In summary, the available evidence is currently insufficient to determine the role of this variant in disease. Therefore, it has been classified as a Variant of Uncertain Significance.

Literature cited by the submitters: PubMed 31965077.

NM_000179.3(MSH6):c.1114T>A (p.Trp372Arg)

Gene: MSH6 (mutS homolog 6; plus strand). Cytogenetic location: 2p16.3.
Variant type: single nucleotide variant.
Coding change: c.1114T>A on transcript NM_000179.3 (MANE Select); coding-DNA position 1114, T replaced by A.
Protein change: p.Trp372Arg; replaces tryptophan 372 with arginine.
Molecular consequence: missense variant. On other transcripts: non-coding transcript variant (4), intron variant (1).
Genome position (GRCh38, 1-based): chr2:47,799,097, T>A. VCF-style: chr2-47799097-T-A. GRCh37 (hg19) VCF-style: chr2-48026236-T-A.
Other names: c.817T>A, p.Trp273Arg (NM_001406827.1, NM_001406828.1, NM_001406830.1 and 10 more transcripts); c.208T>A, p.Trp70Arg (NM_001406829.1, NM_001406823.1, NM_001406812.1 and 6 more transcripts); c.946T>A, p.Trp316Arg (NM_001406826.1); c.628-1569T>A (NM_001407362.1); c.1120T>A, p.Trp374Arg (NM_001406813.1); c.1114T>A, p.Trp372Arg (NM_001406817.1, NM_001406796.1, NM_001406798.1 and 4 more transcripts); c.724T>A, p.Trp242Arg (NM_001281492.2); c.1210T>A, p.Trp404Arg (NM_001406795.1, NM_001406802.1); and 2 more; short protein forms W273R, W346R, W197R, W316R, W70R, W372R, W374R, W242R.
Identifiers: ClinVar variation 3633920 (VCV003633920.2).